The following is an entry in ClinVar:

ClinVar aggregate classification (germline): Uncertain significance (1 of 4 stars; one submission).

Conditions:
Catecholaminergic polymorphic ventricular tachycardia 1. Also called: VENTRICULAR TACHYCARDIA, CATECHOLAMINERGIC POLYMORPHIC, 1, WITH OR WITHOUT ATRIAL DYSFUNCTION AND/OR DILATED CARDIOMYOPATHY; RYR2-Related Catecholaminergic Polymorphic Ventricular Tachycardia; VENTRICULAR TACHYCARDIA, STRESS-INDUCED POLYMORPHIC 1. Identifiers: Orphanet 3286, MedGen C1631597, MONDO:0011484, OMIM 604772.

Submission:

Labcorp Genetics (formerly Invitae), Labcorp
Classification: Uncertain significance for Catecholaminergic polymorphic ventricular tachycardia 1. Last evaluated: 2021-07-21. Review status: criteria provided, single submitter. Criteria: Invitae Variant Classification Sherloc (09022015). Collection method: clinical testing. Allele origin: germline.
Comment: This sequence change replaces cysteine with serine at codon 691 of the TRDN protein (p.Cys691Ser). The cysteine residue is moderately conserved and there is a moderate physicochemical difference between cysteine and serine. This variant is not present in population databases (ExAC no frequency). This variant has not been reported in the literature in individuals affected with TRDN-related conditions. Algorithms developed to predict the effect of missense changes on protein structure and function are either unavailable or do not agree on the potential impact of this missense change (SIFT: "Deleterious"; PolyPhen-2: "Probably Damaging"; Align-GVGD: "Class C0"). In summary, the available evidence is currently insufficient to determine the role of this variant in disease. Therefore, it has been classified as a Variant of Uncertain Significance.

NM_006073.4(TRDN):c.2072G>C (p.Cys691Ser)

Gene: TRDN (triadin; minus strand). Cytogenetic location: 6q22.31.
Variant type: single nucleotide variant.
Coding change: c.2072G>C on transcript NM_006073.4 (MANE Select); coding-DNA position 2072, G replaced by C.
Protein change: p.Cys691Ser; replaces cysteine 691 with serine.
Molecular consequence: missense variant.
Genome position (GRCh38, 1-based): chr6:123,218,719, C>G on the plus strand (G>C on the coding strand, the complement: TRDN is on the minus strand). VCF-style: chr6-123218719-C-G. GRCh37 (hg19) VCF-style: chr6-123539864-C-G.
Other names: short protein forms C691S.
Identifiers: ClinVar variation 1506821 (VCV001506821.9), dbSNP rs2114492427, ClinGen allele CA365564698.
Genomic context (GRCh38, chr6:123,218,719, plus strand): 5'-CGGTCTGCAGGAGTGAAAGGAAACTGAAATCCATAGCCATTGTACCCATCCAAGTAGACA[C>G]ACTGGAAGAAACTGATGGGACCTAAGGAACAGAGCATGACAGTTTGTTAAAACATGCAGA-3'
Protein context (NP_006064.2, residues 681-701): KQKSPISFFQ[Cys691Ser]VYLDGYNGYG